The following is an entry in ClinVar:

NM_001257293.2(HNRNPH1):c.1028C>T (p.Ala343Val)

Genes: HNRNPH1 (heterogeneous nuclear ribonucleoprotein H1; minus strand), LOC128966623 (uncharacterized LOC128966623; plus strand). Cytogenetic location: 5q35.3.
Variant type: single nucleotide variant.
Coding change: c.1028C>T on transcript NM_001257293.2 (MANE Select); coding-DNA position 1028, C replaced by T.
Protein change: p.Ala343Val; replaces alanine 343 with valine.
Molecular consequence: missense variant.
Genome position (GRCh38, 1-based): chr5:179,617,543, G>A on the plus strand (C>T on the coding strand, the complement: HNRNPH1 is on the minus strand). VCF-style: chr5-179617543-G-A. GRCh37 (hg19) VCF-style: chr5-179044544-G-A.
Other names: c.1028C>T, p.Ala343Val (NM_001363572.2, NM_001364225.2, NM_001364226.2 and 27 more transcripts); c.1007C>T, p.Ala336Val (NM_001364240.2, NM_001364241.2, NM_001364242.2 and 6 more transcripts); c.872C>T, p.Ala291Val (NM_001364250.2); c.425C>T, p.Ala142Val (NM_001364251.2, NM_001364252.2, NM_001364253.2 and 4 more transcripts); c.797C>T, p.Ala266Val (NM_001395190.1); c.710C>T, p.Ala237Val (NM_001395191.1, NM_001395192.1); c.617C>T, p.Ala206Val (NM_001395193.1); short protein forms A142V, A206V, A237V, A266V, A291V, A336V, A343V.
Identifiers: ClinVar variation 3769957 (VCV003769957.1).

ClinVar aggregate classification (germline): Uncertain significance (1 of 4 stars; one submission).

gnomAD v4.1: 1 of 1,613,952 alleles (0.000062%); highest among the groups gnomAD compares: Non-Finnish European, 0.000085%; no homozygotes.

Submission:

GeneDx
Classification: Uncertain significance. Last evaluated: 2024-09-06. Review status: criteria provided, single submitter. Criteria: GeneDx Variant Classification Process June 2021. Collection method: clinical testing. Allele origin: germline. Affected: yes.
Comment: Not observed at significant frequency in large population cohorts (gnomAD); In silico analysis supports that this missense variant has a deleterious effect on protein structure/function; Has not been previously published as pathogenic or benign to our knowledge